The following is an entry in ClinVar:

NM_001161352.2(KCNMA1):c.568G>A (p.Gly190Ser)

Gene: KCNMA1 (potassium calcium-activated channel subfamily M alpha 1; minus strand). Cytogenetic location: 10q22.3.
Variant type: single nucleotide variant.
Coding change: c.568G>A on transcript NM_001161352.2 (MANE Select); coding-DNA position 568, G replaced by A.
Protein change: p.Gly190Ser; replaces glycine 190 with serine.
Molecular consequence: missense variant. On other transcripts: 5 prime UTR variant (1).
Genome position (GRCh38, 1-based): chr10:77,251,229, C>T on the plus strand (G>A on the coding strand, the complement: KCNMA1 is on the minus strand). VCF-style: chr10-77251229-C-T. GRCh37 (hg19) VCF-style: chr10-79010987-C-T.
Other names: c.568G>A, p.Gly190Ser (NM_001014797.3, NM_001161353.2, NM_001271519.2 and 8 more transcripts); c.406G>A, p.Gly136Ser (NM_001271518.2); c.-49G>A (NM_001322838.2); short protein forms G190S, G136S.
Identifiers: ClinVar variation 2788566 (VCV002788566.3), dbSNP rs926006948, ClinGen allele CA210116350.

ClinVar aggregate classification (germline): Uncertain significance (1 of 4 stars; one submission).

Conditions:
Generalized epilepsy-paroxysmal dyskinesia syndrome (PNKD3). Also called: Generalized epilepsy and paroxysmal dyskinesia; Paroxysmal nonkinesigenic dyskinesia, 3, with or without generalized epilepsy. Identifiers: Orphanet 79137, MedGen C5574945, MONDO:0012276, OMIM 609446.

Allele frequency attached by ClinVar (database versions not stated): gnomAD exomes below 0.00001; TOPMed 0.00001.
gnomAD v4.1: 1 of 1,612,354 alleles (0.000062%); no homozygotes.

Submission:

Labcorp Genetics (formerly Invitae), Labcorp
Classification: Uncertain significance for Generalized epilepsy-paroxysmal dyskinesia syndrome. Last evaluated: 2025-09-08. Review status: criteria provided, single submitter. Criteria: Invitae Variant Classification Sherloc (09022015). Collection method: clinical testing. Allele origin: germline.
Comment: This sequence change replaces glycine, which is neutral and non-polar, with serine, which is neutral and polar, at codon 190 of the KCNMA1 protein (p.Gly190Ser). This variant is present in population databases (no rsID available, gnomAD 0.004%). This variant has not been reported in the literature in individuals affected with KCNMA1-related conditions. ClinVar contains an entry for this variant (Variation ID: 2788566). Invitae Evidence Modeling of protein sequence and biophysical properties (such as structural, functional, and spatial information, amino acid conservation, physicochemical variation, residue mobility, and thermodynamic stability) indicates that this missense variant is not expected to disrupt KCNMA1 protein function with a negative predictive value of 80%. In summary, the available evidence is currently insufficient to determine the role of this variant in disease. Therefore, it has been classified as a Variant of Uncertain Significance.